The following is an entry in ClinVar:

NM_001378454.1(ALMS1):c.5390G>C (p.Gly1797Ala)

Gene: ALMS1 (ALMS1 centrosome and basal body associated protein; plus strand). Cytogenetic location: 2p13.1.
Variant type: single nucleotide variant.
Coding change: c.5390G>C on transcript NM_001378454.1 (MANE Select); coding-DNA position 5390, G replaced by C.
Protein change: p.Gly1797Ala; replaces glycine 1797 with alanine.
Molecular consequence: missense variant.
Genome position (GRCh38, 1-based): chr2:73,451,917, G>C. VCF-style: chr2-73451917-G-C. GRCh37 (hg19) VCF-style: chr2-73679044-G-C.
Other names: c.5393G>C, p.Gly1798Ala (NM_015120.4); short protein forms G1797A, G1798A.
Identifiers: ClinVar variation 1008775 (VCV001008775.6), dbSNP rs1225146552, ClinGen allele CA347281936.

ClinVar aggregate classification (germline): Uncertain significance (1 of 4 stars; one submission).

Conditions:
Alstrom syndrome (ALMS). Identifiers: Orphanet 64, MedGen C0268425, MONDO:0008763, OMIM 203800.

Submission:

Labcorp Genetics (formerly Invitae), Labcorp
Classification: Uncertain significance for Alstrom syndrome. Last evaluated: 2022-07-06. Review status: criteria provided, single submitter. Criteria: Invitae Variant Classification Sherloc (09022015). Collection method: clinical testing. Allele origin: germline.
Comment: This sequence change replaces glycine, which is neutral and non-polar, with alanine, which is neutral and non-polar, at codon 1798 of the ALMS1 protein (p.Gly1798Ala). This variant is not present in population databases (gnomAD no frequency). This variant has not been reported in the literature in individuals affected with ALMS1-related conditions. ClinVar contains an entry for this variant (Variation ID: 1008775). In summary, the available evidence is currently insufficient to determine the role of this variant in disease. Therefore, it has been classified as a Variant of Uncertain Significance.